The following is an entry in ClinVar:

ClinVar aggregate classification (germline): Conflicting classifications of pathogenicity. Review status: criteria provided, conflicting classifications (1 of 4 stars). 2 submissions from 2 submitters: Likely pathogenic (1); Uncertain significance (1). Last evaluated 2024-09-05.

Conditions:
Hereditary cancer-predisposing syndrome. Also called: Neoplastic Syndromes, Hereditary; Tumor predisposition; Hereditary Cancer Syndrome; Hereditary neoplastic syndrome. Identifiers: Orphanet 140162, MedGen C0027672, MeSH D009386, MONDO:0015356.
Pheochromocytoma. Also called: MAX-Related Hereditary Paraganglioma-Pheochromocytoma Syndrome. Identifiers: Orphanet 29072, MedGen C0031511, MONDO:0008233, OMIM 171300, HP:0002666.
Gastrointestinal stromal tumor. Also called: Gastrointestinal stromal tumor, somatic; Gastrointestinal stroma tumor. Identifiers: Orphanet 44890, MedGen C0238198, MeSH D046152, MONDO:0011719, OMIM 606764, HP:0100723.
Pheochromocytoma/paraganglioma syndrome 4. Also called: CAROTID BODY TUMORS AND MULTIPLE EXTRAADRENAL PHEOCHROMOCYTOMAS; PARAGANGLIOMA, FAMILIAL MALIGNANT; PARAGANGLIOMAS, HEREDITARY EXTRAADRENAL; PHEOCHROMOCYTOMA, FAMILIAL EXTRAADRENAL; Paragangliomas 4; SDHB-Related Hereditary Paraganglioma-Pheochromocytoma Syndrome (Paragangliomas 4). Identifiers: Orphanet 29072, MedGen C1861848, MONDO:0007273, OMIM 115310.

Submissions (2):

Ambry Genetics
Classification: Likely pathogenic for Hereditary cancer-predisposing syndrome. Last evaluated: 2024-09-05. Review status: criteria provided, single submitter. Criteria: Ambry Variant Classification Scheme 2023. Collection method: clinical testing. Allele origin: germline.
Comment: The p.G96V variant (also known as c.287G>T) is located in coding exon 4 of the SDHB gene. The glycine at codon 96 is replaced by valine, an amino acid with dissimilar properties. This change occurs in the first base pair of coding exon 4. This variant has been observed in at least one individual with a personal and/or family history that is consistent with SDHB-associated disease (Ambry internal data). This variant is considered to be rare based on population cohorts in the Genome Aggregation Database (gnomAD). This amino acid position is highly conserved in available vertebrate species. In addition, this alteration is predicted to be deleterious by in silico analysis. Another variant at the same codon, p.G96D (c.287G>A), has been described in individuals with paragangliomas and/or pheochromocytomas (Benn DE et al. J Clin Endocrinol Metab. 2006 Mar;91(3):827-36; Timmers HJ et al. J Clin Endocrinol Metab. 2008 Dec;93(12):4826-32; Ghayee HK et al. Endocr. Relat. Cancer, 2009 Mar;16:291-9; Jochmanova I et al. J. Cancer Res. Clin. Oncol., 2017 Aug;143:1421-1435; Samuel N et al. J Surg Oncol, 2018 Feb;117:160-162; Guha A et al. Biomedicines, 2021 May;9:; Gordon DM et al. Endocr Connect, 2022 Jan;11:; Ambry internal data). Based on the majority of available evidence to date, this variant is likely to be pathogenic.

Labcorp Genetics (formerly Invitae), Labcorp
Classification: Uncertain significance for Gastrointestinal stromal tumor; Pheochromocytoma/paraganglioma syndrome 4; Pheochromocytoma. Last evaluated: 2024-09-02. Review status: criteria provided, single submitter. Criteria: Invitae Variant Classification Sherloc (09022015). Collection method: clinical testing. Allele origin: germline.
Comment: This sequence change replaces glycine, which is neutral and non-polar, with valine, which is neutral and non-polar, at codon 96 of the SDHB protein (p.Gly96Val). This variant is not present in population databases (gnomAD no frequency). This variant has not been reported in the literature in individuals affected with SDHB-related conditions. ClinVar contains an entry for this variant (Variation ID: 1062598). An algorithm developed to predict the effect of missense changes on protein structure and function (PolyPhen-2) suggests that this variant is likely to be disruptive. RNA analysis performed to evaluate the impact of this missense change on mRNA splicing indicates it does not significantly alter splicing (internal data). This variant disrupts the p.Gly96 amino acid residue in SDHB. Other variant(s) that disrupt this residue have been determined to be pathogenic (PMID: 16317055, 17538171, 19075037, 28891197; internal data). This suggests that this residue is clinically significant, and that variants that disrupt this residue are likely to be disease-causing. In summary, the available evidence is currently insufficient to determine the role of this variant in disease. Therefore, it has been classified as a Variant of Uncertain Significance.

Literature cited by the submitters: PubMed 16317055 (cited by Labcorp Genetics (formerly Invitae), Labcorp); PubMed 17538171 (cited by Labcorp Genetics (formerly Invitae), Labcorp); PubMed 19075037 (cited by Labcorp Genetics (formerly Invitae), Labcorp); PubMed 28891197 (cited by Labcorp Genetics (formerly Invitae), Labcorp).

NM_003000.3(SDHB):c.287G>T (p.Gly96Val)

Gene: SDHB (succinate dehydrogenase complex iron sulfur subunit B; minus strand). Cytogenetic location: 1p36.13.
Variant type: single nucleotide variant.
Coding change: c.287G>T on transcript NM_003000.3 (MANE Select); coding-DNA position 287, G replaced by T.
Protein change: p.Gly96Val; replaces glycine 96 with valine.
Molecular consequence: missense variant.
Genome position (GRCh38, 1-based): chr1:17,028,736, C>A on the plus strand (G>T on the coding strand, the complement: SDHB is on the minus strand). VCF-style: chr1-17028736-C-A. GRCh37 (hg19) VCF-style: chr1-17355231-C-A.
Other names: c.287G>T (NM_003000.2); short protein forms G96V.
Identifiers: ClinVar variation 1062598 (VCV001062598.6), dbSNP rs778952116, ClinGen allele CA338275296.